The following is an entry in ClinVar:

NM_020529.3(NFKBIA):c.416T>G (p.Leu139Arg)

Genes: NFKBIA (NFKB inhibitor alpha; minus strand), LOC130055494 (ATAC-STARR-seq lymphoblastoid active region 8276; plus strand). Cytogenetic location: 14q13.2.
Variant type: single nucleotide variant.
Coding change: c.416T>G on transcript NM_020529.3 (MANE Select); coding-DNA position 416, T replaced by G.
Protein change: p.Leu139Arg; replaces leucine 139 with arginine.
Molecular consequence: missense variant.
Genome position (GRCh38, 1-based): chr14:35,403,281, A>C on the plus strand (T>G on the coding strand, the complement: NFKBIA is on the minus strand). VCF-style: chr14-35403281-A-C. GRCh37 (hg19) VCF-style: chr14-35872487-A-C.
Other names: short protein forms L139R.
Identifiers: ClinVar variation 2003281 (VCV002003281.4), dbSNP rs2138832043, ClinGen allele CA389453420.

ClinVar aggregate classification (germline): Uncertain significance (1 of 4 stars; one submission).

Conditions:
Ectodermal dysplasia and immunodeficiency 2. Identifiers: Orphanet 238468, Orphanet 98813, MedGen C2677481, MONDO:0012806, OMIM 612132.

Submission:

Labcorp Genetics (formerly Invitae), Labcorp
Classification: Uncertain significance for Ectodermal dysplasia and immunodeficiency 2. Last evaluated: 2022-06-08. Review status: criteria provided, single submitter. Criteria: Invitae Variant Classification Sherloc (09022015). Collection method: clinical testing. Allele origin: germline.
Comment: In summary, the available evidence is currently insufficient to determine the role of this variant in disease. Therefore, it has been classified as a Variant of Uncertain Significance. Algorithms developed to predict the effect of missense changes on protein structure and function (SIFT, PolyPhen-2, Align-GVGD) all suggest that this variant is likely to be disruptive. This variant has not been reported in the literature in individuals affected with NFKBIA-related conditions. This variant is not present in population databases (gnomAD no frequency). This sequence change replaces leucine, which is neutral and non-polar, with arginine, which is basic and polar, at codon 139 of the NFKBIA protein (p.Leu139Arg).